The following is an entry in ClinVar:

NM_000179.3(MSH6):c.658G>A (p.Glu220Lys)

Gene: MSH6 (mutS homolog 6; plus strand). Cytogenetic location: 2p16.3.
Variant type: single nucleotide variant.
Coding change: c.658G>A on transcript NM_000179.3 (MANE Select); coding-DNA position 658, G replaced by A.
Protein change: p.Glu220Lys; replaces glutamic acid 220 with lysine.
Molecular consequence: missense variant. On other transcripts: 5 prime UTR variant (2).
Genome position (GRCh38, 1-based): chr2:47,798,641, G>A. VCF-style: chr2-47798641-G-A. GRCh37 (hg19) VCF-style: chr2-48025780-G-A.
Other names: c.268G>A, p.Glu90Lys (NM_001281492.2); c.-249G>A (NM_001281493.2, NM_001281494.2); short protein forms E90K, E220K.
Identifiers: ClinVar variation 1496173 (VCV001496173.8), dbSNP rs1669242062, ClinGen allele CA346739344.

ClinVar aggregate classification (germline): Uncertain significance (1 of 4 stars; one submission).

Conditions:
Hereditary nonpolyposis colorectal neoplasms. Identifiers: MedGen C0009405, MeSH D003123.

Submission:

Labcorp Genetics (formerly Invitae), Labcorp
Classification: Uncertain significance for Hereditary nonpolyposis colorectal neoplasms. Last evaluated: 2021-04-09. Review status: criteria provided, single submitter. Criteria: Invitae Variant Classification Sherloc (09022015). Collection method: clinical testing. Allele origin: germline.
Comment: In summary, the available evidence is currently insufficient to determine the role of this variant in disease. Therefore, it has been classified as a Variant of Uncertain Significance. Advanced modeling of protein sequence and biophysical properties (such as structural, functional, and spatial information, amino acid conservation, physicochemical variation, residue mobility, and thermodynamic stability) performed at Invitae indicates that this missense variant is not expected to disrupt MSH6 protein function. This variant has not been reported in the literature in individuals with MSH6-related conditions. This variant is not present in population databases (ExAC no frequency). This sequence change replaces glutamic acid with lysine at codon 220 of the MSH6 protein (p.Glu220Lys). The glutamic acid residue is weakly conserved and there is a small physicochemical difference between glutamic acid and lysine.